The following is an entry in ClinVar:

ClinVar aggregate classification (germline): Likely benign (1 of 4 stars; one submission).

gnomAD v4.1: 11 of 1,614,202 alleles (0.00068%); highest among the groups gnomAD compares: South Asian, 0.012%; no homozygotes.

Submission:

CeGaT Center for Human Genetics Tuebingen
Classification: Likely benign. Last evaluated: 2026-07-01. Review status: criteria provided, single submitter. Criteria: CeGaT Center For Human Genetics Tuebingen Variant Classification Criteria Version 2. Collection method: clinical testing. Allele origin: germline. Affected: yes. Observed: 1 variant allele.
Comment: NRCAM: BP4, BP7

NM_001037132.4(NRCAM):c.2760C>T (p.Pro920=)

Gene: NRCAM (neuronal cell adhesion molecule; minus strand). Cytogenetic location: 7q31.1.
Variant type: single nucleotide variant.
Coding change: c.2760C>T on transcript NM_001037132.4 (MANE Select); coding-DNA position 2760, C replaced by T.
Protein change: p.Pro920=; no amino-acid change (proline 920 retained).
Molecular consequence: synonymous variant. On other transcripts: non-coding transcript variant (5).
Genome position (GRCh38, 1-based): chr7:108,180,314, G>A on the plus strand (C>T on the coding strand, the complement: NRCAM is on the minus strand). VCF-style: chr7-108180314-G-A. GRCh37 (hg19) VCF-style: chr7-107820758-G-A.
Other names: c.2760C>T, p.Pro920= (NM_001193582.2, NM_001371123.1, NM_001371128.1 and 10 more transcripts); c.2703C>T, p.Pro901= (NM_001193583.2, NM_001193584.2, NM_001371119.1 and 22 more transcripts); c.2415C>T, p.Pro805= (NM_001371125.1, NM_001371142.1, NM_001371143.1 and 2 more transcripts); c.2757C>T, p.Pro919= (NM_001371127.1); c.2712C>T, p.Pro904= (NM_001371130.1, NM_001371133.1, NM_001371136.1 and 8 more transcripts); c.2709C>T, p.Pro903= (NM_001371134.1); c.1803C>T, p.Pro601= (NM_001371137.1); c.2442C>T, p.Pro814= (NM_001371148.1, NM_001371170.1, NM_001371179.1 and 1 more transcripts); and 3 more.
Identifiers: ClinVar variation 5040027 (VCV005040027.1).